The following is an entry in ClinVar:

ClinVar aggregate classification (germline): Uncertain significance (1 of 4 stars; one submission).

Submission:

Labcorp Genetics (formerly Invitae), Labcorp
Classification: Uncertain significance. Last evaluated: 2025-10-20. Review status: criteria provided, single submitter. Criteria: Invitae Variant Classification Sherloc (09022015). Collection method: clinical testing. Allele origin: germline.
Comment: This sequence change replaces glycine, which is neutral and non-polar, with aspartic acid, which is acidic and polar, at codon 91 of the NLRP1 protein (p.Gly91Asp). This variant is not present in population databases (gnomAD no frequency). This variant has not been reported in the literature in individuals affected with NLRP1-related conditions. ClinVar contains an entry for this variant (Variation ID: 2120605). An algorithm developed to predict the effect of missense changes on protein structure and function outputs the following: PolyPhen-2: "Possibly Damaging". The aspartic acid amino acid residue is found in multiple mammalian species, which suggests that this missense change does not adversely affect protein function. In summary, the available evidence is currently insufficient to determine the role of this variant in disease. Therefore, it has been classified as a Variant of Uncertain Significance.

NM_033004.4(NLRP1):c.272G>A (p.Gly91Asp)

Gene: NLRP1 (NLR family pyrin domain containing 1; minus strand). Cytogenetic location: 17p13.2.
Variant type: single nucleotide variant.
Coding change: c.272G>A on transcript NM_033004.4 (MANE Select); coding-DNA position 272, G replaced by A.
Protein change: p.Gly91Asp; replaces glycine 91 with aspartic acid.
Molecular consequence: missense variant.
Genome position (GRCh38, 1-based): chr17:5,582,846, C>T on the plus strand (G>A on the coding strand, the complement: NLRP1 is on the minus strand). VCF-style: chr17-5582846-C-T. GRCh37 (hg19) VCF-style: chr17-5486166-C-T.
Other names: c.272G>A, p.Gly91Asp (NM_001033053.3, NM_014922.5, NM_033006.4 and 1 more transcripts); short protein forms G91D.
Identifiers: ClinVar variation 2120605 (VCV002120605.4), dbSNP rs2508132760, ClinGen allele CA397390322.